The following is an entry in ClinVar:

NM_052845.4(MMAB):c.569G>C (p.Arg190Pro)

Gene: MMAB (metabolism of cobalamin associated B; minus strand). Cytogenetic location: 12q24.11.
Variant type: single nucleotide variant.
Coding change: c.569G>C on transcript NM_052845.4 (MANE Select); coding-DNA position 569, G replaced by C.
Protein change: p.Arg190Pro; replaces arginine 190 with proline.
Molecular consequence: missense variant. On other transcripts: non-coding transcript variant (1).
Genome position (GRCh38, 1-based): chr12:109,561,055, C>G on the plus strand (G>C on the coding strand, the complement: MMAB is on the minus strand). VCF-style: chr12-109561055-C-G. GRCh37 (hg19) VCF-style: chr12-109998860-C-G.
Other names: short protein forms R190P.
Identifiers: ClinVar variation 3233929 (VCV003233929.2), dbSNP rs756414548, ClinGen allele CA386636846.
Genomic context (GRCh38, chr12:109,561,055, plus strand): 5'-CTCTCCCTCTCCCTTGGGCCCTCTCCCTCTCTCCAGCCCTCTTACCGTCTCTCGGCCCGG[C>G]GGCACACGGCCCGGCAGAAATGCAGCGCCGAGCTGATCTTGCCTCCCGACTGAAAGGAGA-3'
Protein context (NP_443077.1, residues 180-200): SALHFCRAVC[Arg190Pro]RAERRVVPLV

ClinVar aggregate classification (germline): Uncertain significance (1 of 4 stars; one submission).

Submission:

Women's Health and Genetics/Laboratory Corporation of America, LabCorp
Classification: Uncertain significance. Last evaluated: 2024-03-15. Review status: criteria provided, single submitter. Criteria: LabCorp Variant Classification Summary - May 2015. Collection method: clinical testing. Allele origin: germline.
Comment: Variant summary: MMAB c.569G>C (p.Arg190Pro) results in a non-conservative amino acid change in the Cobalamin adenosyltransferase-like (IPR016030) domain of the encoded protein sequence. Five of five in-silico tools predict a damaging effect of the variant on protein function. The variant was absent in 248806 control chromosomes. The available data on variant occurrences in the general population are insufficient to allow any conclusion about variant significance. To our knowledge, no occurrence of c.569G>C in individuals affected with Methylmalonic Acidemia and no experimental evidence demonstrating its impact on protein function have been reported. Additionally, at least one variant at the Arg190 residue has been reported as associated with disease (p.Arg190His), suggesting that this codon is functionally important. No submitters have cited clinical-significance assessments for this variant to ClinVar. Based on the evidence outlined above, the variant was classified as uncertain significance.